The following is an entry in ClinVar:

NM_018418.5(SPATA7):c.163C>T (p.His55Tyr)

Gene: SPATA7 (spermatogenesis associated 7; plus strand). Cytogenetic location: 14q31.3.
Variant type: single nucleotide variant.
Coding change: c.163C>T on transcript NM_018418.5 (MANE Select); coding-DNA position 163, C replaced by T.
Protein change: p.His55Tyr; replaces histidine 55 with tyrosine.
Molecular consequence: missense variant. On other transcripts: intron variant (1).
Genome position (GRCh38, 1-based): chr14:88,393,461, C>T. VCF-style: chr14-88393461-C-T. GRCh37 (hg19) VCF-style: chr14-88859805-C-T.
Other names: c.94+2006C>T (NM_001040428.4); short protein forms H55Y.
Identifiers: ClinVar variation 958818 (VCV000958818.8), dbSNP rs764520590, ClinGen allele CA390546506.
Genomic context (GRCh38, chr14:88,393,461, plus strand): 5'-ACTGACTCCTCTTCTCTCAGACTAAGCACTCTCCAGCTGGTCAAGAATCACATGGCTGTT[C>T]ACTATAATAAAATCCTTTCAGCCAAAGGTAAAAATGTGCAAATGTGAACTCTCTGTACTC-3'
Protein context (NP_060888.2, residues 45-65): LQLVKNHMAV[His55Tyr]YNKILSAKAA

ClinVar aggregate classification (germline): Uncertain significance. Review status: criteria provided, multiple submitters, no conflicts (2 of 4 stars). 2 submissions from 2 submitters: Uncertain significance (2). Last evaluated 2024-04-22.

Conditions:
Inborn genetic diseases. Identifiers: MedGen C0950123, MeSH D030342.
Leber congenital amaurosis 3 (LCA3). Also called: SPATA7-Related Retinitis Pigmentosa. Identifiers: MedGen C1858677, MONDO:0011415, OMIM 604232.

Allele frequency attached by ClinVar (database versions not stated): TOPMed below 0.00001.

Submissions (2):

Ambry Genetics
Classification: Uncertain significance for Inborn genetic diseases. Last evaluated: 2024-04-22. Review status: criteria provided, single submitter. Criteria: Ambry Variant Classification Scheme 2023. Collection method: clinical testing. Allele origin: germline.

Labcorp Genetics (formerly Invitae), Labcorp
Classification: Uncertain significance for Leber congenital amaurosis 3. Last evaluated: 2022-05-06. Review status: criteria provided, single submitter. Criteria: Invitae Variant Classification Sherloc (09022015). Collection method: clinical testing. Allele origin: germline.
Comment: This variant has not been reported in the literature in individuals affected with SPATA7-related conditions. This variant is not present in population databases (gnomAD no frequency). This sequence change replaces histidine, which is basic and polar, with tyrosine, which is neutral and polar, at codon 55 of the SPATA7 protein (p.His55Tyr). ClinVar contains an entry for this variant (Variation ID: 958818). In summary, the available evidence is currently insufficient to determine the role of this variant in disease. Therefore, it has been classified as a Variant of Uncertain Significance. Algorithms developed to predict the effect of missense changes on protein structure and function are either unavailable or do not agree on the potential impact of this missense change (SIFT: "Deleterious"; PolyPhen-2: "Probably Damaging"; Align-GVGD: "Class C0").